The following is an entry in ClinVar:

NM_005068.3(SIM1):c.1843A>C (p.Thr615Pro)

Gene: SIM1 (SIM bHLH transcription factor 1; minus strand). Cytogenetic location: 6q16.3.
Variant type: single nucleotide variant.
Coding change: c.1843A>C on transcript NM_005068.3 (MANE Select); coding-DNA position 1843, A replaced by C.
Protein change: p.Thr615Pro; replaces threonine 615 with proline.
Molecular consequence: missense variant.
Genome position (GRCh38, 1-based): chr6:100,390,819, T>G on the plus strand (A>C on the coding strand, the complement: SIM1 is on the minus strand). VCF-style: chr6-100390819-T-G. GRCh37 (hg19) VCF-style: chr6-100838695-T-G.
Other names: c.1843A>C, p.Thr615Pro (NM_001374769.1); short protein forms T615P.
Identifiers: ClinVar variation 2632035 (VCV002632035.2), dbSNP rs1039937294, ClinGen allele CA144530210.

ClinVar aggregate classification (germline): Uncertain significance (1 of 4 stars; one submission).

Conditions:
SIM1-related disorder. Also called: SIM1-related condition; SIM1-related disorders.

Allele frequency attached by ClinVar (database versions not stated): TOPMed 0.00006.
gnomAD v4.1: 7 of 1,614,050 alleles (0.00043%); no homozygotes.

Submission:

PreventionGenetics, part of Exact Sciences
Classification: Uncertain significance for SIM1-related condition. Last evaluated: 2026-05-31. Review status: criteria provided, single submitter. Criteria: ACMG Guidelines, 2015. Collection method: clinical testing. Allele origin: germline.
Comment: The SIM1 c.1843A>C variant is predicted to result in the amino acid substitution p.Thr615Pro. To our knowledge, this variant has not been reported in the literature or in a large population database gnomAD, indicating this variant is rare. At this time, the clinical significance of this variant is uncertain due to the absence of conclusive functional and genetic evidence.